The following is an entry in ClinVar:

ClinVar aggregate classification (germline): Uncertain significance (1 of 4 stars; one submission).

Allele frequency attached by ClinVar (database versions not stated): gnomAD 0.00001; ExAC 0.00002; TOPMed 0.00003.

Submission:

Labcorp Genetics (formerly Invitae), Labcorp
Classification: Uncertain significance. Last evaluated: 2022-07-27. Review status: criteria provided, single submitter. Criteria: Invitae Variant Classification Sherloc (09022015). Collection method: clinical testing. Allele origin: germline.
Comment: This sequence change replaces arginine, which is basic and polar, with glutamine, which is neutral and polar, at codon 140 of the POLR3A protein (p.Arg140Gln). This variant is present in population databases (rs750082689, gnomAD 0.008%). This variant has not been reported in the literature in individuals affected with POLR3A-related conditions. Algorithms developed to predict the effect of missense changes on protein structure and function (SIFT, PolyPhen-2, Align-GVGD) all suggest that this variant is likely to be tolerated. In summary, the available evidence is currently insufficient to determine the role of this variant in disease. Therefore, it has been classified as a Variant of Uncertain Significance.

NM_007055.4(POLR3A):c.419G>A (p.Arg140Gln)

Genes: POLR3A (RNA polymerase III subunit A; minus strand), LOC126860971 (CDK7 strongly-dependent group 2 enhancer GRCh37_chr10:79784551-79785750; plus strand). Cytogenetic location: 10q22.3.
Variant type: single nucleotide variant.
Coding change: c.419G>A on transcript NM_007055.4 (MANE Select); coding-DNA position 419, G replaced by A.
Protein change: p.Arg140Gln; replaces arginine 140 with glutamine.
Molecular consequence: missense variant.
Genome position (GRCh38, 1-based): chr10:78,025,042, C>T on the plus strand (G>A on the coding strand, the complement: POLR3A is on the minus strand). VCF-style: chr10-78025042-C-T. GRCh37 (hg19) VCF-style: chr10-79784800-C-T.
Other names: short protein forms R140Q.
Identifiers: ClinVar variation 2151264 (VCV002151264.1), dbSNP rs750082689, ClinGen allele CA5571706.
Genomic context (GRCh38, chr10:78,025,042, plus strand): 5'-CCACAGTGATGGCAGATGTTTTTCTTCCGGCACTTGTCAGAGATTTTCTTTTTCAGTCCT[C>T]GCTTCTGAAGGTAGGTCAGGCCGGGCCTCTTTAGATAGTCCAGAAACTGCTTCTTCTCCT-3'
Protein context (NP_008986.2, residues 130-150): KRPGLTYLQK[Arg140Gln]GLKKKISDKC